The following is an entry in ClinVar:

NM_052867.4(NALCN):c.2917C>T (p.Pro973Ser)

Gene: NALCN (sodium leak channel, non-selective; minus strand). Cytogenetic location: 13q33.1.
Variant type: single nucleotide variant.
Coding change: c.2917C>T on transcript NM_052867.4 (MANE Select); coding-DNA position 2917, C replaced by T.
Protein change: p.Pro973Ser; replaces proline 973 with serine.
Molecular consequence: missense variant.
Genome position (GRCh38, 1-based): chr13:101,103,312, G>A on the plus strand (C>T on the coding strand, the complement: NALCN is on the minus strand). VCF-style: chr13-101103312-G-A. GRCh37 (hg19) VCF-style: chr13-101755663-G-A.
Other names: c.3004C>T, p.Pro1002Ser (NM_001350748.2); c.2917C>T, p.Pro973Ser (NM_001350749.2); c.2830C>T, p.Pro944Ser (NM_001350750.2, NM_001350751.2); short protein forms P1002S, P944S, P973S.
Identifiers: ClinVar variation 2682320 (VCV002682320.1), dbSNP rs2502142768, ClinGen allele CA388669406.
Genomic context (GRCh38, chr13:101,103,312, plus strand): 5'-GTCTCAGGCACCGAAGGACCATTAGAAGCTGAGCTCCCGATTCAGCAGGTACATTTTGAG[G>A]CATCCAACAAAGAAATATCAAGCTCACCTAAAGGGGAACAAATGATCTCTGGAATTTATA-3'
Protein context (NP_443099.1, residues 963-983): LVSLIFLCWM[Pro973Ser]QNVPAESGAQ

ClinVar aggregate classification (germline): Uncertain significance (1 of 4 stars; one submission).

Submission:

Women's Health and Genetics/Laboratory Corporation of America, LabCorp
Classification: Uncertain significance. Last evaluated: 2023-11-03. Review status: criteria provided, single submitter. Criteria: LabCorp Variant Classification Summary - May 2015. Collection method: clinical testing. Allele origin: germline.
Comment: Variant summary: NALCN c.2917C>T (p.Pro973Ser) results in a non-conservative amino acid change located in the Ion transport domain of the encoded protein sequence. Five of five in-silico tools predict a damaging effect of the variant on protein function. The variant was absent in 249216 control chromosomes. The available data on variant occurrences in the general population are insufficient to allow any conclusion about variant significance. To our knowledge, no occurrence of c.2917C>T in individuals affected with Congenital Contractures Of The Limbs And Face, Hypotonia, And Developmental Delay and no experimental evidence demonstrating its impact on protein function have been reported. No submitters have cited clinical-significance assessments for this variant to ClinVar after 2014. Based on the evidence outlined above, the variant was classified as uncertain significance.